The following is an entry in ClinVar:

ClinVar aggregate classification (germline): Uncertain significance (1 of 4 stars; one submission).

Conditions:
Fetal akinesia deformation sequence 1 (FADS1). Also called: Fetal akinesia sequence; Pena-Shokeir syndrome type I. Identifiers: Orphanet 994, MedGen C1276035, MONDO:0100101, OMIM 208150, HP:0001989.
Congenital myasthenic syndrome 11. Also called: MYASTHENIC SYNDROME, CONGENITAL, Ie; Myasthenic syndrome, congenital, 11, associated with acetylcholine receptor deficiency. Identifiers: Orphanet 590, MedGen C4225367, MONDO:0014588, OMIM 616326.

Submission:

Labcorp Genetics (formerly Invitae), Labcorp
Classification: Uncertain significance for Congenital myasthenic syndrome 11; Fetal akinesia deformation sequence 1. Last evaluated: 2021-08-09. Review status: criteria provided, single submitter. Criteria: Invitae Variant Classification Sherloc (09022015). Collection method: clinical testing. Allele origin: germline.
Comment: This variant has not been reported in the literature in individuals affected with RAPSN-related conditions. This sequence change replaces alanine with proline at codon 25 of the RAPSN protein (p.Ala25Pro). The alanine residue is highly conserved and there is a small physicochemical difference between alanine and proline. This variant is not present in population databases (ExAC no frequency). Advanced modeling of protein sequence and biophysical properties (such as structural, functional, and spatial information, amino acid conservation, physicochemical variation, residue mobility, and thermodynamic stability) performed at Invitae indicates that this missense variant is expected to disrupt RAPSN protein function. In summary, the available evidence is currently insufficient to determine the role of this variant in disease. Therefore, it has been classified as a Variant of Uncertain Significance.

NM_005055.5(RAPSN):c.73G>C (p.Ala25Pro)

Gene: RAPSN (receptor associated protein of the synapse; minus strand). Cytogenetic location: 11p11.2.
Variant type: single nucleotide variant.
Coding change: c.73G>C on transcript NM_005055.5 (MANE Select); coding-DNA position 73, G replaced by C.
Protein change: p.Ala25Pro; replaces alanine 25 with proline.
Molecular consequence: missense variant.
Genome position (GRCh38, 1-based): chr11:47,448,892, C>G on the plus strand (G>C on the coding strand, the complement: RAPSN is on the minus strand). VCF-style: chr11-47448892-C-G. GRCh37 (hg19) VCF-style: chr11-47470444-C-G.
Other names: c.73G>C, p.Ala25Pro (NM_032645.5); short protein forms A25P.
Identifiers: ClinVar variation 1371783 (VCV001371783.6), dbSNP rs1217675127, ClinGen allele CA380336986.